The following is an entry in ClinVar:

ClinVar aggregate classification (germline): Pathogenic. Review status: criteria provided, multiple submitters, no conflicts (2 of 4 stars). 7 submissions from 7 submitters: Pathogenic (6). 1 of the submissions does not count toward it. Last evaluated 2025-03-04.

Conditions:
Glutathione synthetase deficiency with 5-oxoprolinuria. Also called: Reduced glutathione synthetase level; 5-Oxoprolinuria; 5-OXOPROLINURIA DUE TO GLUTATHIONE SYNTHETASE DEFICIENCY; Gluthathione synthetase deficiency; PYROGLUTAMIC ACIDURIA. Identifiers: Orphanet 289846, MedGen C0398746, MONDO:0009947, OMIM 266130, HP:0003343.
Inborn genetic diseases. Identifiers: MedGen C0950123, MeSH D030342.
Inherited glutathione synthetase deficiency. Identifiers: Orphanet 32, MedGen C5979912, MONDO:0017909.

Allele frequency attached by ClinVar (database versions not stated): gnomAD 0.00004; gnomAD exomes 0.00003; ExAC 0.00002; TOPMed 0.00006.

Submissions (7):

Women's Health and Genetics/Laboratory Corporation of America, LabCorp
Classification: Pathogenic for Glutathione synthetase deficiency with 5-oxoprolinuria. Last evaluated: 2025-03-04. Review status: criteria provided, single submitter. Criteria: LabCorp Variant Classification Summary - May 2015. Collection method: clinical testing. Allele origin: germline.
Comment: Variant summary: GSS c.491G>A (p.Arg164Gln) results in a conservative amino acid change in the encoded protein sequence. Two of three in-silico tools predict a benign effect of the variant on protein function. At least one publication reports experimental evidence that this variant affects mRNA splicing. The variant allele was found at a frequency of 3.2e-05 in 249356 control chromosomes. The variant of interest was observed in multiple affected individuals via publications in a homozygous or compound heterozygous state. GSS activity in these patients were significantly decreased (Shi_1996 and Njalsson_2005). At least one publication reports experimental evidence evaluating an impact on protein function. The most pronounced variant effect results in <10% of normal activity. ClinVar contains an entry for this variant (Variation ID: 8525). Based on the evidence outlined above, the variant was classified as pathogenic.

Revvity Omics, Revvity
Classification: Pathogenic. Last evaluated: 2024-06-26. Review status: criteria provided, single submitter. Criteria: ACMG Guidelines, 2015. Collection method: clinical testing. Allele origin: germline.

Labcorp Genetics (formerly Invitae), Labcorp
Classification: Pathogenic for Glutathione synthetase deficiency with 5-oxoprolinuria. Last evaluated: 2024-03-07. Review status: criteria provided, single submitter. Criteria: Invitae Variant Classification Sherloc (09022015). Collection method: clinical testing. Allele origin: germline.
Comment: This sequence change replaces arginine, which is basic and polar, with glutamine, which is neutral and polar, at codon 164 of the GSS protein (p.Arg164Gln). This variant also falls at the last nucleotide of exon 5, which is part of the consensus splice site for this exon. This variant is present in population databases (rs121909307, gnomAD 0.006%). This missense change has been observed in individual(s) with gluthathione synthetase deficiency (PMID: 8896573, 15717202, 25851806, 28822442). In at least one individual the data is consistent with being in trans (on the opposite chromosome) from a pathogenic variant. ClinVar contains an entry for this variant (Variation ID: 8525). An algorithm developed to predict the effect of missense changes on protein structure and function (PolyPhen-2) suggests that this variant is likely to be tolerated. Experimental studies have shown that this missense change affects GSS function (PMID: 8896573). Variants that disrupt the consensus splice site are a relatively common cause of aberrant splicing (PMID: 17576681, 9536098). Algorithms developed to predict the effect of sequence changes on RNA splicing suggest that this variant may disrupt the consensus splice site. For these reasons, this variant has been classified as Pathogenic.

Ambry Genetics
Classification: Pathogenic for Inborn genetic diseases. Last evaluated: 2021-08-23. Review status: criteria provided, single submitter. Criteria: Ambry Variant Classification Scheme 2023. Collection method: clinical testing. Allele origin: germline.
Comment: The c.491G>A (p.R164Q) alteration is located in exon 5 (coding exon 4) of the GSS gene. This alteration results from a G to A substitution at nucleotide position 491, causing the arginine (R) at amino acid position 164 to be replaced by a glutamine (Q). However, this change occurs in the last base pair of coding exon4, which makes it likely to have some effect on normal mRNA splicing. Based on data from gnomAD, the A allele has an overall frequency of <0.01% (10/280724) total alleles studied. The highest observed frequency was 0.01% (8/127900) of European (non-Finnish) alleles. This variant has been detected as compound heterozygous and homozygous in multiple unrelated individuals with glutathione synthetase deficiency (Shi, 1996; Tokatli, 2007; Li, 2015). This nucleotide position is well conserved in available vertebrate species. In silico splice site analysis predicts that this alteration will weaken the native splice donor site. In addition, as a missense alteration, this alteration is predicted to be tolerated by in silico analysis. Based on the available evidence, this alteration is classified as pathogenic.

GeneDx
Classification: Pathogenic. Last evaluated: 2019-04-05. Review status: criteria provided, single submitter. Criteria: GeneDx Variant Classification Process June 2021. Collection method: clinical testing. Allele origin: germline. Affected: yes.
Comment: Published functional studies using complementation assays demonstrate a damaging effect (Shi et al., 1996); Predicted to destroy the natural spice donor site for intron 5 with skipping of exon 5 (Shi et al., 1996); This variant is associated with the following publications: (PMID: 11445798, 28822442, 17479648, 26669244, 15717202, 25851806, 8896573, 25525159)

Illumina Laboratory Services, Illumina
Classification: Pathogenic for Glutathione synthetase deficiency with 5-oxoprolinuria. Last evaluated: 2017-04-28. Review status: criteria provided, single submitter. Criteria: ICSL Variant Classification Criteria 09 May 2019. Collection method: clinical testing. Allele origin: germline.
Comment: The GSS c.491G>A (p.Arg164Gln) variant has been reported in three studies in individuals with 5-oxoprolinuria (a marker for glutathione synthetase deficiency), including two in a homozygous state, three in a compound heterozygous state with either another missense variant or a deletion variant, and in one heterozygote in whom the second variant was not identified (Shi et al. 1996; Tokatli et al. 2007; Li et al. 2015). The c.491G>A (p.Arg164Gln) variant was absent from 25 controls and is reported at a frequency of 0.00003 in the European (non-Finnish) population of the Exome Aggregation Consortium, though this is based on two alleles only in a region of good sequence coverage so the variant is presumed to be rare. Functional studies in individual fibroblasts and erythrocytes demonstrated that the variant resulted in a defect in splicing and enzyme activity of only 5% of normal levels. Expression of p.Arg164Gln variant cDNAs in both yeast and E. coli showed no detectable GSS activity and a failure to complement growth in yeast (Shi et al. 1996; Tokatli et al. 2007). Based on the collective evidence, the p.Arg164Gln variant is classified as pathogenic for glutathione synthetase deficiency. This variant was observed by ICSL as part of a predisposition screen in an ostensibly healthy population.

OMIM
Classification: Pathogenic for GLUTATHIONE SYNTHETASE DEFICIENCY. Last evaluated: 1996-11-01. Review status: no assertion criteria provided. Collection method: literature only. Allele origin: germline. Not counted in ClinVar's aggregate classification.

Literature cited by the submitters: PubMed 8896573 (cited by 5 submitters); PubMed 25851806 (cited by 4 submitters); PubMed 15717202 (cited by Women's Health and Genetics/Laboratory Corporation of America, LabCorp and Labcorp Genetics (formerly Invitae), Labcorp); PubMed 28822442 (cited by Labcorp Genetics (formerly Invitae), Labcorp); PubMed 17576681 (cited by Labcorp Genetics (formerly Invitae), Labcorp); PubMed 9536098 (cited by Labcorp Genetics (formerly Invitae), Labcorp); PubMed 17479648 (cited by Ambry Genetics and Illumina Laboratory Services, Illumina).

NM_000178.4(GSS):c.491G>A (p.Arg164Gln)

Gene: GSS (glutathione synthetase; minus strand). Cytogenetic location: 20q11.22.
Variant type: single nucleotide variant.
Coding change: c.491G>A on transcript NM_000178.4 (MANE Select); coding-DNA position 491, G replaced by A.
Protein change: p.Arg164Gln; replaces arginine 164 with glutamine.
Molecular consequence: missense variant.
Genome position (GRCh38, 1-based): chr20:34,942,488, C>T on the plus strand (G>A on the coding strand, the complement: GSS is on the minus strand). VCF-style: chr20-34942488-C-T. GRCh37 (hg19) VCF-style: chr20-33530291-C-T.
Other names: c.491G>A, p.Arg164Gln (LRG_1168t1, NM_001322494.1, NM_001322495.1); short protein forms R164Q.
Identifiers: ClinVar variation 8525 (VCV000008525.21), dbSNP rs121909307, ClinGen allele CA119690.